The following is an entry in ClinVar:

NM_001127208.3(TET2):c.368G>A (p.Arg123His)

Genes: TET2 (tet methylcytosine dioxygenase 2; plus strand), TET2-AS1 (TET2 antisense RNA 1; minus strand). Cytogenetic location: 4q24.
Variant type: single nucleotide variant.
Coding change: c.368G>A on transcript NM_001127208.3 (MANE Select); coding-DNA position 368, G replaced by A.
Protein change: p.Arg123His; replaces arginine 123 with histidine.
Molecular consequence: missense variant.
Genome position (GRCh38, 1-based): chr4:105,234,310, G>A. VCF-style: chr4-105234310-G-A. GRCh37 (hg19) VCF-style: chr4-106155467-G-A.
Other names: c.368G>A, p.Arg123His (NM_017628.4); short protein forms R123H.
Identifiers: ClinVar variation 2635058 (VCV002635058.1), dbSNP rs773565437, ClinGen allele CA3031480.

ClinVar aggregate classification (germline): Uncertain significance (1 of 4 stars; one submission).

Conditions:
TET2-related disorder. Also called: TET2-related condition.

Allele frequency attached by ClinVar (database versions not stated): ExAC 0.00002; gnomAD 0.00003.
gnomAD v4.1: 62 of 1,613,974 alleles (0.0038%); highest among the groups gnomAD compares: Admixed American, 0.005%; 1 homozygote.

Submission:

PreventionGenetics, part of Exact Sciences
Classification: Uncertain significance for TET2-related condition. Last evaluated: 2022-12-27. Review status: criteria provided, single submitter. Criteria: ACMG Guidelines, 2015. Collection method: clinical testing. Allele origin: germline.
Comment: The TET2 c.368G>A variant is predicted to result in the amino acid substitution p.Arg123His. To our knowledge, this variant has not been reported in the literature. This variant is reported in 0.0085% of alleles in individuals of Latino descent in gnomAD. At this time, the clinical significance of this variant is uncertain due to the absence of conclusive functional and genetic evidence.